The following is an entry in ClinVar:

ClinVar aggregate classification (germline): Conflicting classifications of pathogenicity. Review status: criteria provided, conflicting classifications (1 of 4 stars). 5 submissions from 5 submitters: Uncertain significance (1); Likely benign (3). 1 of the submissions does not count toward it. Last evaluated 2026-05-21.

Conditions:
Rothmund-Thomson syndrome type 1 (RTS1). Also called: POIKILODERMA ATROPHICANS AND CATARACT. Identifiers: Orphanet 221008, MedGen C5231433, MONDO:0016368, OMIM 618625.

Allele frequency attached by ClinVar (database versions not stated): TOPMed 0.00194; 1000 Genomes Project 0.00060; gnomAD 0.00192; ExAC 0.00202; gnomAD exomes 0.00167; 1000 Genomes Project 30x 0.00078.

Submissions (5):

Women's Health and Genetics/Laboratory Corporation of America, LabCorp
Classification: Likely benign. Last evaluated: 2026-05-21. Review status: criteria provided, single submitter. Criteria: LabCorp Variant Classification Summary - May 2015. Collection method: clinical testing. Allele origin: germline.
Comment: Variant summary: ANAPC1 c.3100G>A (p.Val1034Met) results in a conservative amino acid change in the encoded protein sequence. Algorithms developed to predict the effect of missense changes on protein structure and function are either unavailable or do not agree on the potential impact of this missense change. The variant allele was found at a frequency of 0.0017 in 117790 control chromosomes, predominantly at a frequency of 0.0028 within the Non-Finnish European subpopulation in the gnomAD database. The observed variant frequency within Non-Finnish European control individuals in the gnomAD database exceeds the estimated maximal expected allele frequency for disease-causing variants in ANAPC1. To our knowledge, no occurrence of c.3100G>A in individuals affected with ANAPC1-related conditions and no experimental evidence demonstrating its impact on protein function have been reported. ClinVar contains an entry for this variant (Variation ID: 790439). Based on the evidence outlined above, the variant was classified as likely benign.

Ambry Genetics
Classification: Uncertain significance. Last evaluated: 2023-09-13. Review status: criteria provided, single submitter. Criteria: Ambry Variant Classification Scheme 2023. Collection method: clinical testing. Allele origin: germline.

Labcorp Genetics (formerly Invitae), Labcorp
Classification: Likely benign. Last evaluated: 2018-07-04. Review status: criteria provided, single submitter. Criteria: Invitae Variant Classification Sherloc (09022015). Collection method: clinical testing. Allele origin: germline.

Breakthrough Genomics
Classification: Likely benign. Review status: criteria provided, single submitter. Criteria: ACMG Guidelines, 2015. Collection method: not provided. Allele origin: germline. Inheritance: Autosomal recessive inheritance. Affected: yes.

Department of Pathology and Laboratory Medicine, Sinai Health System
Classification: Uncertain significance for Rothmund-Thomson syndrome type 1. Review status: no assertion criteria provided. Collection method: clinical testing. Allele origin: unknown. Affected: yes. Study: The Canadian Open Genetics Repository (COGR). Not counted in ClinVar's aggregate classification.
Comment: The ANAPC1 p.V1034M variant was not identified in the literature but was identified in dbSNP (ID: rs548028803) and ClinVar (classified as likely benign by Invitae). The variant was identified in control databases in 240 of 147822 chromosomes (1 homozygous) at a frequency of 0.001624, and was observed at the highest frequency in the European (non-Finnish) population in 165 of 59988 chromosomes (freq: 0.002751) (Genome Aggregation Database March 6, 2019, v2.1.1). The p.V1034 residue is conserved in mammals and computational analyses (MUT Assesor, PolyPhen-2, SIFT, MutationTaster, Revel, FATHMM, MetaLR, DANN) provide inconsistent predictions regarding the impact to the protein; this information is not very predictive of pathogenicity. The variant occurs outside of the splicing consensus sequence and in silico or computational prediction software programs (Splice AI exome) do not predict a difference in splicing. In summary, based on the above information the clinical significance of this variant cannot be determined with certainty at this time. This variant is classified as a variant of uncertain significance.

NM_022662.4(ANAPC1):c.3100G>A (p.Val1034Met)

Gene: ANAPC1 (anaphase promoting complex subunit 1; minus strand). Cytogenetic location: 2q13.
Variant type: single nucleotide variant.
Coding change: c.3100G>A on transcript NM_022662.4 (MANE Select); coding-DNA position 3100, G replaced by A.
Protein change: p.Val1034Met; replaces valine 1034 with methionine.
Molecular consequence: missense variant.
Genome position (GRCh38, 1-based): chr2:111,821,345, C>T on the plus strand (G>A on the coding strand, the complement: ANAPC1 is on the minus strand). VCF-style: chr2-111821345-C-T. GRCh37 (hg19) VCF-style: chr2-112578922-C-T.
Other names: c.3100G>A (NM_022662.2); short protein forms V1034M.
Identifiers: ClinVar variation 790439 (VCV000790439.8), dbSNP rs548028803, ClinGen allele CA1830015.